The following is an entry in ClinVar:

ClinVar aggregate classification (germline): Uncertain significance. Review status: criteria provided, multiple submitters, no conflicts (2 of 4 stars). 4 submissions from 4 submitters: Uncertain significance (4). Last evaluated 2024-09-23.

Conditions:
Cardiomyopathy (CMYO). Also called: Cardiomyopathies. Identifiers: Orphanet 167848, MedGen C0878544, MONDO:0004994, HP:0001638. Inheritance: Various modes of inheritance.
Hypertrophic cardiomyopathy. Also called: HYPERTROPHIC MYOCARDIOPATHY. Identifiers: Orphanet 217569, MedGen C0007194, MeSH D002312, MONDO:0005045, HP:0001639.

Allele frequency attached by ClinVar (database versions not stated): gnomAD exomes below 0.00001.
gnomAD v4.1: 2 of 1,613,756 alleles (0.00012%); highest among the groups gnomAD compares: East Asian, 0.0022%; no homozygotes.

Submissions (4):

All of Us Research Program, National Institutes of Health
Classification: Uncertain significance for Cardiomyopathy. Last evaluated: 2024-09-23. Review status: criteria provided, single submitter. Criteria: ACMG Guidelines, 2015. Collection method: clinical testing. Allele origin: germline. Inheritance: Autosomal dominant inheritance. Observed: 2 variant alleles, 2 heterozygotes.
Comment: This study involves interpretation of variants in research participants for the purpose of population health screening. Participant phenotype was not available at the time of variant classification. Additional details can be found in publication PMID: 35346344, PMCID: PMC8962531

Blueprint Genetics
Classification: Uncertain significance. Last evaluated: 2019-12-12. Review status: criteria provided, single submitter. Criteria: ACMG Guidelines, 2015. Collection method: clinical testing. Allele origin: germline.

Color Diagnostics, LLC DBA Color Health
Classification: Uncertain significance for Cardiomyopathy. Last evaluated: 2019-11-26. Review status: criteria provided, single submitter. Criteria: ACMG Guidelines, 2015. Collection method: clinical testing. Allele origin: germline.
Comment: This missense variant replaces methionine with threonine at codon 362 of the MYH7 protein. Computational prediction tool suggests that this variant may have deleterious impact on protein structure and function (internally defined REVEL score threshold ≥0.7, PMID: 27666373). Splice site prediction tools suggest that this variant may not impact RNA splicing. To our knowledge, functional studies have not been performed for this variant. This variant has not been reported in individuals affected with cardiovascular disorders in the literature. This variant has been identified in 1/251470 chromosomes in the general population by the Genome Aggregation Database (gnomAD). The available evidence is insufficient to determine the role of this variant in disease conclusively. Therefore, this variant is classified as a Variant of Uncertain Significance.

Labcorp Genetics (formerly Invitae), Labcorp
Classification: Uncertain significance for Hypertrophic cardiomyopathy. Last evaluated: 2019-09-25. Review status: criteria provided, single submitter. Criteria: Invitae Variant Classification Sherloc (09022015). Collection method: clinical testing. Allele origin: germline.
Comment: In summary, the available evidence is currently insufficient to determine the role of this variant in disease. Therefore, it has been classified as a Variant of Uncertain Significance. This variant is found within a region of MYH7 between codons 181 and 937 that contains the majority of the myosin head domain. Missense variants in this region have been shown to be significantly overrepresented in individuals with hypertrophic cardiomyopathy (PMID: 27532257). Algorithms developed to predict the effect of missense changes on protein structure and function are either unavailable or do not agree on the potential impact of this missense change (SIFT: "Deleterious"; PolyPhen-2: "Probably Damaging"; Align-GVGD: "Class C0"). This variant has not been reported in the literature in individuals with MYH7-related conditions. This variant is not present in population databases (ExAC no frequency). This sequence change replaces methionine with threonine at codon 362 of the MYH7 protein (p.Met362Thr). The methionine residue is highly conserved and there is a moderate physicochemical difference between methionine and threonine.

Literature cited by the submitters: PubMed 27532257 (cited by Labcorp Genetics (formerly Invitae), Labcorp).

NM_000257.4(MYH7):c.1085T>C (p.Met362Thr)

Gene: MYH7 (myosin heavy chain 7; minus strand). Cytogenetic location: 14q11.2.
Variant type: single nucleotide variant.
Coding change: c.1085T>C on transcript NM_000257.4 (MANE Select); coding-DNA position 1085, T replaced by C.
Protein change: p.Met362Thr; replaces methionine 362 with threonine.
Molecular consequence: missense variant.
Genome position (GRCh38, 1-based): chr14:23,429,828, A>G on the plus strand (T>C on the coding strand, the complement: MYH7 is on the minus strand). VCF-style: chr14-23429828-A-G. GRCh37 (hg19) VCF-style: chr14-23899037-A-G.
Other names: short protein forms M362T.
Identifiers: ClinVar variation 927664 (VCV000927664.14), dbSNP rs1210839181, ClinGen allele CA389051390.